The following is an entry in ClinVar:

ClinVar aggregate classification (germline): Benign/Likely benign. Review status: criteria provided, multiple submitters, no conflicts (2 of 4 stars). 4 submissions from 4 submitters: Benign (3); Likely benign (1). Last evaluated 2026-01-28.

Allele frequency attached by ClinVar (database versions not stated): gnomAD exomes 0.00100; ExAC 0.00124; ESP Exome Variant Server 0.00254; TOPMed 0.00333; gnomAD 0.00370; 1000 Genomes Project 0.00399; 1000 Genomes Project 30x 0.00406.
gnomAD v4.1: 1,047 of 1,610,236 alleles (0.065%); highest among the groups gnomAD compares: African/African-American, 1.2%; 9 homozygotes.

Submissions (4):

Labcorp Genetics (formerly Invitae), Labcorp
Classification: Benign. Last evaluated: 2026-01-28. Review status: criteria provided, single submitter. Criteria: Invitae Variant Classification Sherloc (09022015). Collection method: clinical testing. Allele origin: germline.

Blueprint Genetics
Classification: Likely benign. Last evaluated: 2024-11-26. Review status: criteria provided, single submitter. Criteria: ACMG Guidelines, 2015. Collection method: clinical testing. Allele origin: germline.

GeneDx
Classification: Benign. Last evaluated: 2014-03-13. Review status: criteria provided, single submitter. Criteria: GeneDx Variant Classification (06012015). Collection method: clinical testing. Allele origin: germline. Affected: yes.
Comment: This variant is considered likely benign or benign based on one or more of the following criteria: it is a conservative change, it occurs at a poorly conserved position in the protein, it is predicted to be benign by multiple in silico algorithms, and/or has population frequency not consistent with disease.

Breakthrough Genomics
Classification: Benign. Review status: criteria provided, single submitter. Criteria: ACMG Guidelines, 2015. Collection method: not provided. Allele origin: germline. Inheritance: Autosomal recessive inheritance. Affected: yes.

NM_024407.5(NDUFS7):c.54-18C>T

Gene: NDUFS7 (NADH:ubiquinone oxidoreductase core subunit S7; plus strand). Cytogenetic location: 19p13.3.
Variant type: single nucleotide variant.
Coding change: c.54-18C>T on transcript NM_024407.5 (MANE Select); 18 bases into the intron before coding-DNA position 54, C replaced by T.
Molecular consequence: intron variant.
Genome position (GRCh38, 1-based): chr19:1,388,507, C>T. VCF-style: chr19-1388507-C-T. GRCh37 (hg19) VCF-style: chr19-1388506-C-T.
Other names: c.54-18C>T (NM_001363602.2).
Identifiers: ClinVar variation 138495 (VCV000138495.11), dbSNP rs115835616, ClinGen allele CA292509.